The following continues an entry in ClinVar:

NM_000169.3(GLA):c.644A>G (p.Asn215Ser)

ClinVar aggregate classification (germline): Pathogenic. Pathogenic (25).

Submissions 8 to 20 of 28:

Natera, Inc.
Classification: Pathogenic for Fabry disease. Last evaluated: 2025-07-28. Review status: criteria provided, single submitter. Criteria: Natera Variant Classification Schema (03/2026). Collection method: clinical testing. Allele origin: germline.
Comment: The c.644A>G variant in GLA is a missense variant predicted to cause substitution of asparagine to serine at amino acid 215. This variant is rare in the general population with a frequency below the threshold expected for the associated phenotype(s). This variant has been observed in at least one unaffected individual, with a zygosity that is consistent with the inheritance pattern for the associated condition (in gnomAD and/or literature). This variant has been observed in affected individual(s) with monoallelic occurrence (heterozygous/hemizygous) (PMID: 18849176, 26362204). This variant has been observed to segregate in affected family members (PMID: 23818648). Functional studies show that this variant may disrupt protein function (PMID: 31010832). Computational prediction algorithms indicate this variant is likely to affect gene or protein function. Given the available evidence, this variant is classified as Pathogenic.

Revvity Omics, Revvity
Classification: Pathogenic. Last evaluated: 2025-06-02. Review status: criteria provided, single submitter. Criteria: ACMG Guidelines, 2015. Collection method: clinical testing. Allele origin: germline.

Blueprint Genetics
Classification: Pathogenic for GLA-related disorders. Last evaluated: 2024-11-19. Review status: criteria provided, single submitter. Criteria: ACMG Guidelines, 2015. Collection method: clinical testing. Allele origin: germline. Affected: yes. Observed: 5 variant alleles.

All of Us Research Program, National Institutes of Health
Classification: Pathogenic for Fabry disease. Last evaluated: 2024-10-01. Review status: criteria provided, single submitter. Criteria: ACMG Guidelines, 2015. Collection method: clinical testing. Allele origin: germline. Inheritance: X-linked inheritance. Observed: 5 variant alleles, 4 heterozygotes, 1 hemizygote.
Comment: This missense variant replaces asparagine with serine at codon 215 of the GLA protein. Asn215 has been reported as one of the N-linked carbohydrate attachment sites and glycosylation at this site is crucial for the efficient trafficking of the GLA enzyme to the lysosome (PMID: 9620884, 15003450). Computational prediction suggests that this variant may have deleterious impact on protein structure and function (internally defined REVEL score threshold >= 0.7, PMID: 27666373). Functional studies have shown that this variant results in reduced GLA enzyme activity when expressed in HEK-293 or COS-7 cells (PMID: 16773563, 17555407, 21598360). This variant has been reported in many individuals affected with Fabry disease, predominantly with cardiac manifestations in late adulthood, especially in males (e.g. left ventricular hypertrophy, arrhythmia) (PMID: 29649853, 32150461, 32435590, 32432376, 32963035, 33335842, 33807900, 35035949, 36087038, etc.). Cases with classic Fabry disease or renal impairment have also been reported but less frequently (e.g. PMID: 8395937, 29649853, 32435590, 35035949). It has been shown that this variant segregates with Fabry disease in multiple individuals from two families (PMID: 28943383). This variant has been identified in 1/183422 chromosomes in the general population by the Genome Aggregation Database (gnomAD). Based on the available evidence, this variant is classified as Pathogenic.

This study involves interpretation of variants in research participants for the purpose of population health screening. Participant phenotype was not available at the time of variant classification. Additional details can be found in publication PMID: 35346344, PMCID: PMC8962531

ARUP Laboratories, Molecular Genetics and Genomics, ARUP Laboratories
Classification: Pathogenic. Last evaluated: 2024-01-03. Review status: criteria provided, single submitter. Criteria: ARUP Molecular Germline Variant Investigation Process 2024. Collection method: clinical testing. Allele origin: germline.
Comment: The GLA c.644A>G; p.Asn215Ser variant (rs28935197) is reported in the literature in numerous individuals and families affected with Fabry disease, typically with later onset and cardiac specific presentation (Eng 1993, Ishii 2007, Lavalle 2018, Oder 2017, Spada 2006, Tomberli 2013). Functional analyses demonstrate that enzyme with this variant has reduced stability/activity (Ishii 2007, Spada 2006). This variant is also reported in ClinVar (Variation ID: 10730). It is only found on one allele in the Genome Aggregation Database (v2.1.1), indicating it is not a common polymorphism. Computational analyses predict that this variant is deleterious (REVEL: 0.72). Based on available information, this variant is considered to be pathogenic. References: Eng CM et al. Nature and frequency of mutations in the alpha-galactosidase A gene that cause Fabry disease. Am J Hum Genet. 1993 Dec;53(6):1186-97. PMID: 7504405. Ishii S et al. Mutant alpha-galactosidase A enzymes identified in Fabry disease patients with residual enzyme activity: biochemical characterization and restoration of normal intracellular processing by 1-deoxygalactonojirimycin. Biochem J. 2007 Sep 1;406(2):285-95. PMID: 17555407. Lavalle L et al. Phenotype and biochemical heterogeneity in late onset Fabry disease defined by N215S mutation. PLoS One. 2018 Apr 5;13(4):e0193550. PMID: 29621274. Oder D et al. alpha-Galactosidase A Genotype N215S Induces a Specific Cardiac Variant of Fabry Disease. Circ Cardiovasc Genet. 2017 Oct;10(5):e001691. PMID: 29018006. Spada M et al. High incidence of later-onset fabry disease revealed by newborn screening. Am J Hum Genet. 2006 Jul;79(1):31-40. PMID: 16773563. Tomberli B et al. Coronary microvascular dysfunction is an early feature of cardiac involvement in patients with Anderson-Fabry disease. Eur J Heart Fail. 2013 Dec;15(12):1363-73. PMID: 23818648.

Johns Hopkins Genomics, Johns Hopkins University
Classification: Pathogenic for Fabry disease. Last evaluated: 2023-08-01. Review status: criteria provided, single submitter. Criteria: ACMG Guidelines, 2015. Collection method: clinical testing. Allele origin: germline.

Clinical Genetics Laboratory, Skane University Hospital Lund
Classification: Pathogenic. Last evaluated: 2023-07-06. Review status: criteria provided, single submitter. Criteria: ACMG Guidelines, 2015. Collection method: clinical testing. Allele origin: germline. Affected: yes.

Laboratory of Medical Genetics, University of Torino
Classification: Pathogenic for Fabry disease. Last evaluated: 2022-11-29. Review status: criteria provided, single submitter. Criteria: ACMG Guidelines, 2015. Collection method: research. Allele origin: germline. Affected: yes. Study: NeuroWES.

GeneDx
Classification: Pathogenic. Last evaluated: 2022-06-02. Review status: criteria provided, single submitter. Criteria: GeneDx Variant Classification Process June 2021. Collection method: clinical testing. Allele origin: germline. Affected: yes.
Comment: One of the most common later-onset Fabry disease GLA variants reported in individuals of European or North American descent, with cardiac manifestations as the typical presenting feature (Davies et al., 1993; Mills et al., 2005; Spada et al., 2006; Oder et al., 2017; Germain et al., 2018; Sheng et al., 2020); Published functional studies demonstrate a damaging effect as this variant is associated with reduced alpha-galactosidase A enzyme activity compared to wild-type (Spada et al. 2006; Wu et al. 2011); In silico analysis supports that this missense variant has a deleterious effect on protein structure/function; Not observed at significant frequency in large population cohorts (gnomAD); This variant is associated with the following publications: (PMID: 21972175, 25382311, 28943383, 31020198, 28793143, 15702404, 23568732, 17555407, 23935525, 25611685, 26047621, 27532257, 28728877, 27657681, 28988177, 24582695, 28649509, 31308319, 31956509, 30477121, 31447099, 32150461, 33673806, 32686758, 16773563, 21062768, 15886492, 31393666, 29649853, 29018006, 29621274, 8395937, 32435590, 30023289, 21598360)

Fulgent Genetics
Classification: Pathogenic for Fabry disease. Last evaluated: 2022-04-14. Review status: criteria provided, single submitter. Criteria: ACMG Guidelines, 2015. Collection method: clinical testing. Allele origin: unknown.

Victorian Clinical Genetics Services, Murdoch Childrens Research Institute
Classification: Pathogenic for Fabry disease. Last evaluated: 2022-02-02. Review status: criteria provided, single submitter. Criteria: ACMG Guidelines, 2015. Collection method: clinical testing. Allele origin: germline. Inheritance: X-linked inheritance.
Comment: Based on the classification scheme VCGS_Germline_v1.3.4, this variant is classified as pathogenic. The following criteria are met: 0103 - Loss of function and dominant negative are known mechanisms of disease in this gene and are associated with Fabry disease (MIM#301500). Loss of function is a known mechanism of disease in males. Females can be affected but with variable severity unexplained by skewed X-inactivation (PMID: 31613176), suggested to be due to the dominant negative mechanism of some variants. Truncating variants in the last exon have been reported with a dominant negative mechanism in females. Gain of function has also been suggested; however more evidence is required (PMIDs: 8878432; 31613176). (I) 0109 - This gene is associated with X-linked disease. Both males and females have been reported with Fabry disease, though the latter are more rarely reported and tend to have milder disease (OMIM, PMID: 31613176). (I) 0200 - Variant is predicted to result in a missense amino acid change from asparagine to serine. (I) 0251 - This variant is heterozygous. (I) 0302 - Variant is present in gnomAD (v2) <0.001 for a condition (0 heterozygotes, 0 homozygotes, 1 hemizygote). (SP) 0502 - Missense variant with conflicting in silico predictions and uninformative conservation. (I) 0600 - Variant is located in the annotated melibiase_2 domain (DECIPHER). (I) 0801 - This variant has strong previous evidence of pathogenicity in unrelated individuals. This variant is a recurrent mutation associated with late-onset Fabry disease (ClinVar, PMIDs: 32435590; 29018006). (SP) Legend: (SP) - Supporting pathogenic, (I) - Information, (SB) - Supporting benign

CHEO Genetics Diagnostic Laboratory, Children's Hospital of Eastern Ontario
Classification: Pathogenic for Cardiomyopathy. Last evaluated: 2021-08-18. Review status: criteria provided, single submitter. Criteria: ACMG Guidelines, 2015. Collection method: clinical testing. Allele origin: germline.

Genome-Nilou Lab
Classification: Pathogenic for Fabry disease. Last evaluated: 2021-07-15. Review status: criteria provided, single submitter. Criteria: ACMG Guidelines, 2015. Collection method: clinical testing. Allele origin: germline. Affected: no.